The following is an entry in ClinVar:

ClinVar aggregate classification (germline): Uncertain significance. Review status: criteria provided, multiple submitters, no conflicts (2 of 4 stars). 2 submissions from 2 submitters: Uncertain significance (2). Last evaluated 2025-08-12.

Conditions:
ATP6V0A2-related disorder. Also called: ATP6V0A2-related condition.
ALG9 congenital disorder of glycosylation (CDG1L). Also called: CONGENITAL DISORDER OF GLYCOSYLATION, TYPE Il; ALG9-CDG; CDG Il. Identifiers: Orphanet 79328, MedGen C2931006, MONDO:0012117, OMIM 608776.

Allele frequency attached by ClinVar (database versions not stated): gnomAD 0.00001; gnomAD exomes 0.00001; TOPMed 0.00001; ExAC 0.00002.
gnomAD v4.1: 10 of 1,613,016 alleles (0.00062%); highest among the groups gnomAD compares: Admixed American, 0.015%; no homozygotes.

Submissions (2):

PreventionGenetics, part of Exact Sciences
Classification: Uncertain significance for ATP6V0A2-related condition. Last evaluated: 2025-08-12. Review status: criteria provided, single submitter. Criteria: ACMG Guidelines, 2015. Collection method: clinical testing. Allele origin: germline.
Comment: The ATP6V0A2 c.2193A>G variant is predicted to result in the amino acid substitution p.Ile731Met. To our knowledge, this variant has not been reported in the literature. This variant is reported in 0.025% of alleles in individuals of Latino descent in gnomAD. At this time, the clinical significance of this variant is uncertain due to the absence of conclusive functional and genetic evidence.

Labcorp Genetics (formerly Invitae), Labcorp
Classification: Uncertain significance for ALG9 congenital disorder of glycosylation. Last evaluated: 2022-05-22. Review status: criteria provided, single submitter. Criteria: Invitae Variant Classification Sherloc (09022015). Collection method: clinical testing. Allele origin: germline.
Comment: This sequence change replaces isoleucine, which is neutral and non-polar, with methionine, which is neutral and non-polar, at codon 731 of the ATP6V0A2 protein (p.Ile731Met). This variant is present in population databases (rs757336591, gnomAD 0.03%). This variant has not been reported in the literature in individuals affected with ATP6V0A2-related conditions. Algorithms developed to predict the effect of missense changes on protein structure and function are either unavailable or do not agree on the potential impact of this missense change (SIFT: "Deleterious"; PolyPhen-2: "Possibly Damaging"; Align-GVGD: "Class C0"). In summary, the available evidence is currently insufficient to determine the role of this variant in disease. Therefore, it has been classified as a Variant of Uncertain Significance.

NM_012463.4(ATP6V0A2):c.2193A>G (p.Ile731Met)

Gene: ATP6V0A2 (ATPase H+ transporting V0 subunit a2; plus strand). Cytogenetic location: 12q24.31.
Variant type: single nucleotide variant.
Coding change: c.2193A>G on transcript NM_012463.4 (MANE Select); coding-DNA position 2193, A replaced by G.
Protein change: p.Ile731Met; replaces isoleucine 731 with methionine.
Molecular consequence: missense variant.
Genome position (GRCh38, 1-based): chr12:123,754,437, A>G. VCF-style: chr12-123754437-A-G. GRCh37 (hg19) VCF-style: chr12-124238984-A-G.
Other names: c.2193A>G (NM_012463.3); short protein forms I731M.
Identifiers: ClinVar variation 2079860 (VCV002079860.2), dbSNP rs757336591, ClinGen allele CA6862173.